The following is an entry in ClinVar:

NM_001353345.2(SETD1B):c.1461G>A (p.Ser487=)

Gene: SETD1B (SET domain containing 1B, histone lysine methyltransferase; plus strand). Cytogenetic location: 12q24.31.
Variant type: single nucleotide variant.
Coding change: c.1461G>A on transcript NM_001353345.2 (MANE Select); coding-DNA position 1461, G replaced by A.
Protein change: p.Ser487=; no amino-acid change (serine 487 retained).
Molecular consequence: synonymous variant.
Genome position (GRCh38, 1-based): chr12:121,810,406, G>A. VCF-style: chr12-121810406-G-A. GRCh37 (hg19) VCF-style: chr12-122248312-G-A.
Other names: NM_015048.1:c.1461G>A.
Identifiers: ClinVar variation 2643432 (VCV002643432.25), dbSNP rs892913761, ClinGen allele CA244636927.

ClinVar aggregate classification (germline): Likely benign. Review status: criteria provided, multiple submitters, no conflicts (2 of 4 stars). 2 submissions from 2 submitters: Likely benign (2). Last evaluated 2024-11-25.

Conditions:
SETD1B-related disorder. Also called: SETD1B-related condition.

Allele frequency attached by ClinVar (database versions not stated): gnomAD 0.00001; gnomAD exomes 0.00001; TOPMed 0.00004; 1000 Genomes Project 30x 0.00016.
gnomAD v4.1: 18 of 1,548,862 alleles (0.0012%); highest among the groups gnomAD compares: East Asian, 0.022%; no homozygotes.

Submissions (2):

PreventionGenetics, part of Exact Sciences
Classification: Likely benign for SETD1B-related condition. Last evaluated: 2024-11-25. Review status: criteria provided, single submitter. Criteria: ACMG Guidelines, 2015. Collection method: clinical testing. Allele origin: germline.
Comment: This variant is classified as likely benign based on ACMG/AMP sequence variant interpretation guidelines (Richards et al. 2015 PMID: 25741868, with internal and published modifications).

CeGaT Center for Human Genetics Tuebingen
Classification: Likely benign. Last evaluated: 2022-08-01. Review status: criteria provided, single submitter. Criteria: CeGaT Center For Human Genetics Tuebingen Variant Classification Criteria Version 2. Collection method: clinical testing. Allele origin: germline. Affected: yes. Observed: 2 variant alleles.
Comment: SETD1B: BP4, BP7